The following is an entry in ClinVar:

ClinVar aggregate classification (germline): Likely benign (1 of 4 stars; one submission).

Submission:

CeGaT Center for Human Genetics Tuebingen
Classification: Likely benign. Last evaluated: 2023-02-01. Review status: criteria provided, single submitter. Criteria: CeGaT Center For Human Genetics Tuebingen Variant Classification Criteria Version 2. Collection method: clinical testing. Allele origin: germline. Affected: yes. Observed: 1 variant allele.
Comment: MEA1: BS2

NM_014623.4(MEA1):c.356AGG[1] (p.Glu120del)

Gene: MEA1 (male-enhanced antigen 1; minus strand). Cytogenetic location: 6p21.1.
Variant type: Microsatellite.
Coding change: c.356AGG[1] on transcript NM_014623.4 (MANE Select); one copy of the 3-base unit AGG starting at c.356; the reference has two copies in a row; one copy, 3 bases deleted.
Protein change: p.Glu120del; deletes glutamic acid 120.
Molecular consequence: inframe deletion.
Genome position (GRCh38, 1-based): chr6:43,012,971-43,012,973, CCT deleted on the plus strand (AGG on the coding strand, the reverse complement: MEA1 is on the minus strand); deleting any 3 consecutive bases within chr6:43,012,971-43,012,977 gives the same sequence; the position shown is the placement nearest the transcript's 3' end. VCF-style (leftmost placement, unchanged base first): chr6-43012970-CCCT-C. GRCh37 (hg19) VCF-style: chr6-42980708-CCCT-C.
Other names: c.317AGG[1], p.Glu107del (NM_001318942.1, NM_001318943.1); c.365AGG[1], p.Glu123del (NM_001363578.1); short protein forms E107del, E120del, E123del.
Identifiers: ClinVar variation 2656570 (VCV002656570.24), dbSNP rs368238057, ClinGen allele CA3812254.
Genomic context (GRCh38, chr6:43,012,970, plus strand): 5'-AAGAATGATCTTTTACCTGGGTCCATGGGAATAGAGCTGTGGTTGTTCAACGCTGTAGCT[CCCT>C]CCTCATCTTCATCTTCACTCTCTAATGGTGGGTCTGGCAAATGAAGCCCCAGGGCCTGCA-3'